The following is an entry in ClinVar:

ClinVar aggregate classification (germline): Uncertain significance (1 of 4 stars; one submission).

gnomAD v4.1: 101 of 1,613,290 alleles (0.0063%); highest among the groups gnomAD compares: Non-Finnish European, 0.0083%; no homozygotes.

Submission:

Labcorp Genetics (formerly Invitae), Labcorp
Classification: Uncertain significance. Last evaluated: 2025-07-08. Review status: criteria provided, single submitter. Criteria: Invitae Variant Classification Sherloc (09022015). Collection method: clinical testing. Allele origin: germline.
Comment: This sequence change replaces isoleucine, which is neutral and non-polar, with threonine, which is neutral and polar, at codon 560 of the KANK4 protein (p.Ile560Thr). This variant is present in population databases (rs772427412, gnomAD 0.006%). This variant has not been reported in the literature in individuals affected with KANK4-related conditions. An algorithm developed to predict the effect of missense changes on protein structure and function (PolyPhen-2) suggests that this variant is likely to be tolerated. In summary, the available evidence is currently insufficient to determine the role of this variant in disease. Therefore, it has been classified as a Variant of Uncertain Significance.

NM_181712.5(KANK4):c.1679T>C (p.Ile560Thr)

Gene: KANK4 (KN motif and ankyrin repeat domains 4; minus strand). Cytogenetic location: 1p31.3.
Variant type: single nucleotide variant.
Coding change: c.1679T>C on transcript NM_181712.5 (MANE Select); coding-DNA position 1679, T replaced by C.
Protein change: p.Ile560Thr; replaces isoleucine 560 with threonine.
Molecular consequence: missense variant. On other transcripts: intron variant (1).
Genome position (GRCh38, 1-based): chr1:62,273,425, A>G on the plus strand (T>C on the coding strand, the complement: KANK4 is on the minus strand). VCF-style: chr1-62273425-A-G. GRCh37 (hg19) VCF-style: chr1-62739097-A-G.
Other names: c.17-1836T>C (NM_001320269.2); short protein forms I560T.
Identifiers: ClinVar variation 4709177 (VCV004709177.1).
Genomic context (GRCh38, chr1:62,273,425, plus strand): 5'-TGCTCCAGGCAGTTCCACTGCTCCTGCAGGAGCTCCTGGATCTTCTTCACATACTGCCCA[A>G]TAGTGGCATCCGTTGGCGAGCTTGGTGGCCTTCCCGGGTGCTCCTTCCCTGGGAGATTGG-3'
Protein context (NP_859063.3, residues 550-570): RPPSSPTDAT[Ile560Thr]GQYVKKIQEL